The following is an entry in ClinVar:

NM_014956.5(CEP164):c.3616G>A (p.Asp1206Asn)

Gene: CEP164 (centrosomal protein 164; plus strand). Cytogenetic location: 11q23.3.
Variant type: single nucleotide variant.
Coding change: c.3616G>A on transcript NM_014956.5 (MANE Select); coding-DNA position 3616, G replaced by A.
Protein change: p.Asp1206Asn; replaces aspartic acid 1206 with asparagine.
Molecular consequence: missense variant.
Genome position (GRCh38, 1-based): chr11:117,408,896, G>A. VCF-style: chr11-117408896-G-A. GRCh37 (hg19) VCF-style: chr11-117279612-G-A.
Other names: c.3625G>A, p.Asp1209Asn (NM_001271933.2); c.3622G>A, p.Asp1208Asn (NM_001440949.1); c.3616G>A, p.Asp1206Asn (NM_001440950.1, NM_001440951.1, NM_001440953.1); c.3607G>A, p.Asp1203Asn (NM_001440952.1); c.3538G>A, p.Asp1180Asn (NM_001440954.1, NM_001440955.1, NM_001440958.1 and 1 more transcripts); c.3529G>A, p.Asp1177Asn (NM_001440956.1); c.3526G>A, p.Asp1176Asn (NM_001440957.1); c.3487G>A, p.Asp1163Asn (NM_001440960.1); and 14 more; short protein forms D1136N, D1180N, D1209N, D1081N, D1086N, D1087N, D1110N, D1130N.
Identifiers: ClinVar variation 4990937 (VCV004990937.1).
Genomic context (GRCh38, chr11:117,408,896, plus strand): 5'-AGGGTAGAAAGCACGTGGGAGAGGTGGGTCATAACTGCTGACTTTACCCCACAGGCCTCA[G>A]ATGAGGGCACTCTGGGAGGATCCCCCACCAAGAAGGCAGTAACCTTCGACCTCAGTGACA-3'
Protein context (NP_055771.4, residues 1196-1216): LESSLWEEAS[Asp1206Asn]EGTLGGSPTK

ClinVar aggregate classification (germline): Uncertain significance (1 of 4 stars; one submission).

Conditions:
CEP164-related disorder. Also called: CEP164-related condition.

gnomAD v4.1: 1 of 1,614,146 alleles (0.000062%); highest among the groups gnomAD compares: Admixed American, 0.0017%; no homozygotes.

Submission:

PreventionGenetics, part of Exact Sciences
Classification: Uncertain significance for CEP164-related condition. Last evaluated: 2026-08-18. Review status: criteria provided, single submitter. Criteria: ACMG Guidelines, 2015. Collection method: clinical testing. Allele origin: germline.
Comment: The CEP164 c.3616G>A variant is predicted to result in the amino acid substitution p.Asp1206Asn. To our knowledge, this variant has not been reported in the literature or in a large population database (gnomAD), indicating this variant is rare. At this time, the clinical significance of this variant is uncertain due to the absence of conclusive functional and genetic evidence.